The following is an entry in ClinVar:

ClinVar aggregate classification (germline): Conflicting classifications of pathogenicity. Review status: criteria provided, conflicting classifications (1 of 4 stars). 4 submissions from 4 submitters: Likely pathogenic (1); Uncertain significance (1). 2 of the submissions do not count toward it. Last evaluated 2026-07-27.

Conditions:
GLDN-related disorder. Also called: GLDN-related condition.
Fetal akinesia deformation sequence 1 (FADS1). Also called: Pena-Shokeir syndrome type I; Fetal akinesia sequence. Identifiers: Orphanet 994, MedGen C1276035, MONDO:0100101, OMIM 208150, HP:0001989.
Lethal congenital contracture syndrome 11 (LCCS11). Identifiers: MedGen C4310670, MONDO:0014965, OMIM 617194.
Arthrogryposis multiplex congenita (AMC). Also called: Congenital multiple arthrogryposis; Fibrous ankylosis of multiple joints; Congenital arthromyodysplasia; Myodystrophia fetalis deformans; Otto syndrome; Rocher-Sheldon syndrome. Identifiers: Orphanet 1037, MedGen C5779613, MeSH D001176, MONDO:0015168, HP:0002804.

Allele frequency attached by ClinVar (database versions not stated): gnomAD exomes 0.00004; gnomAD 0.00005 and 0.00006; TOPMed 0.00005; ExAC 0.00007; ESP Exome Variant Server 0.00008.
gnomAD v4.1: 123 of 1,612,668 alleles (0.0076%); highest among the groups gnomAD compares: Non-Finnish European, 0.0097%; no homozygotes.

Submissions (4):

PreventionGenetics, part of Exact Sciences
Classification: Likely pathogenic for GLDN-related condition. Last evaluated: 2026-07-27. Review status: criteria provided, single submitter. Criteria: ACMG Guidelines, 2015. Collection method: clinical testing. Allele origin: germline.
Comment: The GLDN c.1178G>A variant is predicted to result in the amino acid substitution p.Arg393Lys. This variant has been reported in the compound heterozygous state in three families with lethal congenital contracture syndrome or fetal akinesia (Wambach et al. 2017. PubMed ID: 28726266; Pergande et al. 2020. PubMed ID: 31680123; Mis et al. 2020. PubMed ID: 32812332). This variant is reported in 0.0062% of alleles in individuals of European (Non-Finnish) descent in gnomAD. This variant is interpreted as likely pathogenic.

Cirak Lab, University Hospital Cologne
Classification: Uncertain significance for Arthrogryposis multiplex congenita; Fetal akinesia sequence. Last evaluated: 2019-06-28. Review status: criteria provided, single submitter. Criteria: ACMG Guidelines, 2015. Collection method: research. Allele origin: paternal. Affected: yes. Observed: 1 variant allele.

Clinical Genetics Laboratory, University Hospital Schleswig-Holstein
Classification: Likely pathogenic for Lethal congenital contracture syndrome 11. Last evaluated: 2021-03-09. Review status: no assertion criteria provided. Collection method: clinical testing. Allele origin: germline. Affected: yes. Not counted in ClinVar's aggregate classification.

Pediatric Genomics Discovery Program, Yale University
Classification: Likely pathogenic for Fetal akinesia deformation sequence 1. Last evaluated: 2020-02-17. Review status: no assertion criteria provided. Collection method: research. Allele origin: paternal. Inheritance: Autosomal recessive inheritance. Affected: yes. Not counted in ClinVar's aggregate classification.
Comment: This p.R393K variant is likely pathogenic due to: (a) its finding in multiple unrelated individuals with fetal akinesia deformation sequence and (b) its identification in an individual at our center in trans with a variant (p.L365F) that we demonstrate causes GLDN mislocalization in vitro. The p.R393K variant is rare in the general population (Karczewski et al., 2019).

Literature cited by the submitters: PubMed 31680123 (cited by Cirak Lab, University Hospital Cologne).

NM_181789.4(GLDN):c.1178G>A (p.Arg393Lys)

Gene: GLDN (gliomedin; plus strand). Cytogenetic location: 15q21.2.
Variant type: single nucleotide variant.
Coding change: c.1178G>A on transcript NM_181789.4 (MANE Select); coding-DNA position 1178, G replaced by A.
Protein change: p.Arg393Lys; replaces arginine 393 with lysine.
Molecular consequence: missense variant.
Genome position (GRCh38, 1-based): chr15:51,401,743, G>A. VCF-style: chr15-51401743-G-A. GRCh37 (hg19) VCF-style: chr15-51693940-G-A.
Other names: c.806G>A, p.Arg269Lys (NM_001330297.2); short protein forms R269K, R393K.
Identifiers: ClinVar variation 692276 (VCV000692276.9), dbSNP rs147954907, ClinGen allele CA7560687.
Genomic context (GRCh38, chr15:51,401,743, plus strand): 5'-GGCACGTTGTTTACAACAACTCTCTCTACTACCACAAAGGGGGTTCTAATACCCTAGTGA[G>A]GTAAGTCGCACCACAGCACCTTCTCACGCCTCTCAGGCAGCACCTGTGCTGTGGTGCTTT-3'
Protein context (NP_861454.2, residues 383-403): YHKGGSNTLV[Arg393Lys]FEFGQETSQT